The following is an entry in ClinVar:

NM_001347721.2(DYRK1A):c.1496C>A (p.Thr499Asn)

Gene: DYRK1A (dual specificity tyrosine phosphorylation regulated kinase 1A; plus strand). Cytogenetic location: 21q22.13.
Variant type: single nucleotide variant.
Coding change: c.1496C>A on transcript NM_001347721.2 (MANE Select); coding-DNA position 1496, C replaced by A.
Protein change: p.Thr499Asn; replaces threonine 499 with asparagine.
Molecular consequence: missense variant.
Genome position (GRCh38, 1-based): chr21:37,505,566, C>A. VCF-style: chr21-37505566-C-A. GRCh37 (hg19) VCF-style: chr21-38877869-C-A.
Other names: c.1496C>A, p.Thr499Asn (NM_001347722.2, NM_130436.2); c.1409C>A, p.Thr470Asn (NM_001347723.2); c.1523C>A, p.Thr508Asn (NM_001396.5, NM_101395.2, NM_130438.2); short protein forms T470N, T499N, T508N.
Identifiers: ClinVar variation 3381658 (VCV003381658.1).

ClinVar aggregate classification (germline): Uncertain significance (1 of 4 stars; one submission).

Submission:

GeneDx
Classification: Uncertain significance. Last evaluated: 2024-05-21. Review status: criteria provided, single submitter. Criteria: GeneDx Variant Classification Process June 2021. Collection method: clinical testing. Allele origin: germline. Affected: yes.
Comment: Not observed at significant frequency in large population cohorts (gnomAD); In silico analysis indicates that this missense variant does not alter protein structure/function; Has not been previously published as pathogenic or benign to our knowledge